The following is an entry in ClinVar:

NM_178452.6(DNAAF1):c.1783C>G (p.Leu595Val)

Gene: DNAAF1 (dynein axonemal assembly factor 1; plus strand). Cytogenetic location: 16q24.1.
Variant type: single nucleotide variant.
Coding change: c.1783C>G on transcript NM_178452.6 (MANE Select); coding-DNA position 1783, C replaced by G.
Protein change: p.Leu595Val; replaces leucine 595 with valine.
Molecular consequence: missense variant.
Genome position (GRCh38, 1-based): chr16:84,176,017, C>G. VCF-style: chr16-84176017-C-G. GRCh37 (hg19) VCF-style: chr16-84209623-C-G.
Other names: c.1075C>G, p.Leu359Val (NM_001318756.1); short protein forms L359V, L595V.
Identifiers: ClinVar variation 2150547 (VCV002150547.4), dbSNP rs2507527544, ClinGen allele CA396950537.

ClinVar aggregate classification (germline): Uncertain significance (1 of 4 stars; one submission).

Conditions:
Primary ciliary dyskinesia. Also called: Ciliary dyskinesia. Identifiers: Orphanet 244, MedGen C0008780, MONDO:0016575, HP:0012265.

Submission:

Labcorp Genetics (formerly Invitae), Labcorp
Classification: Uncertain significance for Primary ciliary dyskinesia. Last evaluated: 2022-05-21. Review status: criteria provided, single submitter. Criteria: Invitae Variant Classification Sherloc (09022015). Collection method: clinical testing. Allele origin: germline.
Comment: This variant is not present in population databases (gnomAD no frequency). In summary, the available evidence is currently insufficient to determine the role of this variant in disease. Therefore, it has been classified as a Variant of Uncertain Significance. Algorithms developed to predict the effect of missense changes on protein structure and function (SIFT, PolyPhen-2, Align-GVGD) all suggest that this variant is likely to be tolerated. This variant has not been reported in the literature in individuals affected with DNAAF1-related conditions. This sequence change replaces leucine, which is neutral and non-polar, with valine, which is neutral and non-polar, at codon 595 of the DNAAF1 protein (p.Leu595Val).